The following is an entry in ClinVar:

NM_170601.5(SIAE):c.301C>T (p.Gln101Ter)

Gene: SIAE (sialic acid acetylesterase; minus strand). Cytogenetic location: 11q24.2.
Variant type: single nucleotide variant.
Coding change: c.301C>T on transcript NM_170601.5 (MANE Select); coding-DNA position 301, C replaced by T.
Protein change: p.Gln101Ter; replaces glutamine 101 with a stop codon.
Molecular consequence: nonsense.
Genome position (GRCh38, 1-based): chr11:124,660,732, G>A on the plus strand (C>T on the coding strand, the complement: SIAE is on the minus strand). VCF-style: chr11-124660732-G-A. GRCh37 (hg19) VCF-style: chr11-124530628-G-A.
Other names: c.196C>T, p.Gln66Ter (NM_001199922.2); short protein forms Q101*, Q66*.
Identifiers: ClinVar variation 2024118 (VCV002024118.4), dbSNP rs145396113, ClinGen allele CA383121013.

ClinVar aggregate classification (germline): Uncertain significance (1 of 4 stars; one submission).

Submission:

Labcorp Genetics (formerly Invitae), Labcorp
Classification: Uncertain significance. Last evaluated: 2022-08-13. Review status: criteria provided, single submitter. Criteria: Invitae Variant Classification Sherloc (09022015). Collection method: clinical testing. Allele origin: germline.
Comment: In summary, the available evidence is currently insufficient to determine the role of this variant in disease. Therefore, it has been classified as a Variant of Uncertain Significance. This sequence change creates a premature translational stop signal (p.Gln101*) in the SIAE gene. It is expected to result in an absent or disrupted protein product. However, the current clinical and genetic evidence is not sufficient to establish whether loss-of-function variants in SIAE cause disease. This variant is not present in population databases (gnomAD no frequency). This variant has not been reported in the literature in individuals affected with SIAE-related conditions.